The following is an entry in ClinVar:

NM_000257.4(MYH7):c.2766G>T (p.Met922Ile)

Gene: MYH7 (myosin heavy chain 7; minus strand). Cytogenetic location: 14q11.2.
Variant type: single nucleotide variant.
Coding change: c.2766G>T on transcript NM_000257.4 (MANE Select); coding-DNA position 2766, G replaced by T.
Protein change: p.Met922Ile; replaces methionine 922 with isoleucine.
Molecular consequence: missense variant.
Genome position (GRCh38, 1-based): chr14:23,424,063, C>A on the plus strand (G>T on the coding strand, the complement: MYH7 is on the minus strand). VCF-style: chr14-23424063-C-A. GRCh37 (hg19) VCF-style: chr14-23893272-C-A.
Other names: short protein forms M922I.
Identifiers: ClinVar variation 1007904 (VCV001007904.9), dbSNP rs138756911, ClinGen allele CA034234.

ClinVar aggregate classification (germline): Uncertain significance. Review status: criteria provided, multiple submitters, no conflicts (2 of 4 stars). 2 submissions from 2 submitters: Uncertain significance (2). Last evaluated 2023-06-27.

Conditions:
Cardiomyopathy (CMYO). Also called: Cardiomyopathies. Identifiers: Orphanet 167848, MedGen C0878544, MONDO:0004994, HP:0001638. Inheritance: Various modes of inheritance.
Hypertrophic cardiomyopathy. Also called: HYPERTROPHIC MYOCARDIOPATHY. Identifiers: Orphanet 217569, MedGen C0007194, MeSH D002312, MONDO:0005045, HP:0001639.

Allele frequency attached by ClinVar (database versions not stated): gnomAD exomes below 0.00001; ExAC 0.00001.
gnomAD v4.1: 2 of 1,614,254 alleles (0.00012%); highest among the groups gnomAD compares: Non-Finnish European, 0.00017%; no homozygotes.

Submissions (2):

All of Us Research Program, National Institutes of Health
Classification: Uncertain significance for Cardiomyopathy. Last evaluated: 2023-06-27. Review status: criteria provided, single submitter. Criteria: ACMG Guidelines, 2015. Collection method: clinical testing. Allele origin: germline. Inheritance: Autosomal dominant inheritance. Observed: 1 variant allele, 1 heterozygote.
Comment: This study involves interpretation of variants in research participants for the purpose of population health screening. Participant phenotype was not available at the time of variant classification. Additional details can be found in publication PMID: 35346344, PMCID: PMC8962531

Labcorp Genetics (formerly Invitae), Labcorp
Classification: Uncertain significance for Hypertrophic cardiomyopathy. Last evaluated: 2020-05-15. Review status: criteria provided, single submitter. Criteria: Invitae Variant Classification Sherloc (09022015). Collection method: clinical testing. Allele origin: germline.
Comment: In summary, the available evidence is currently insufficient to determine the role of this variant in disease. Therefore, it has been classified as a Variant of Uncertain Significance. This variant is found within a region of MYH7 between codons 181 and 937 that contains the majority of the myosin head domain. Missense variants in this region have been shown to be significantly overrepresented in individuals with hypertrophic cardiomyopathy (PMID: 27532257). Algorithms developed to predict the effect of missense changes on protein structure and function output the following: SIFT: "Deleterious"; PolyPhen-2: "Benign"; Align-GVGD: "Class C0". The isoleucine amino acid residue is found in multiple mammalian species, suggesting that this missense change does not adversely affect protein function. These predictions have not been confirmed by published functional studies and their clinical significance is uncertain. This variant has not been reported in the literature in individuals with MYH7-related conditions. This variant is present in population databases (rs138756911, ExAC 0.001%). This sequence change replaces methionine with isoleucine at codon 922 of the MYH7 protein (p.Met922Ile). The methionine residue is highly conserved and there is a small physicochemical difference between methionine and isoleucine.

Literature cited by the submitters: PubMed 27532257 (cited by Labcorp Genetics (formerly Invitae), Labcorp).